The following is an entry in ClinVar:

NM_000091.5(COL4A3):c.2402G>C (p.Gly801Ala)

Genes: MFF-DT (MFF divergent transcript; minus strand), COL4A3 (collagen type IV alpha 3 chain; plus strand). Cytogenetic location: 2q36.3.
Variant type: single nucleotide variant.
Coding change: c.2402G>C on transcript NM_000091.5 (MANE Select); coding-DNA position 2402, G replaced by C.
Protein change: p.Gly801Ala; replaces glycine 801 with alanine.
Molecular consequence: missense variant.
Genome position (GRCh38, 1-based): chr2:227,280,920, G>C. VCF-style: chr2-227280920-G-C. GRCh37 (hg19) VCF-style: chr2-228145636-G-C.
Other names: short protein forms G801A.
Identifiers: ClinVar variation 4817220 (VCV004817220.1).

ClinVar aggregate classification (germline): Likely pathogenic (1 of 4 stars; one submission).

Conditions:
Alport syndrome. Also called: Hemorrhagic familial nephritis; Hemorrhagic hereditary nephritis; Congenital hereditary hematuria. Identifiers: Orphanet 63, MedGen C1567741, MONDO:0018965.

Submission:

Natera, Inc.
Classification: Likely pathogenic for Alport syndrome. Last evaluated: 2025-01-02. Review status: criteria provided, single submitter. Criteria: Natera Variant Classification Schema (03/2026). Collection method: clinical testing. Allele origin: germline.
Comment: The c.2402G>C variant in COL4A3 is a missense variant predicted to cause substitution of glycine to alanine at amino acid 801. This variant is rare in the general population with a frequency below the threshold expected for the associated phenotype(s). This variant is located in a functionally critical region of the protein. A different variant at the same position has been determined to be Pathogenic or Likely Pathogenic. Computational prediction algorithms indicate this variant is likely to affect gene or protein function. Given the available evidence, this variant is classified as Likely Pathogenic.